The following is an entry in ClinVar:

ClinVar aggregate classification (germline): Uncertain significance (1 of 4 stars; one submission).

Conditions:
Catecholaminergic polymorphic ventricular tachycardia (CVPT). Also called: Catecholamine-induced polymorphic ventricular tachycardia. Identifiers: Orphanet 3286, MedGen C5574922, MONDO:0017990.

gnomAD v4.1: 1 of 1,612,610 alleles (0.000062%); highest among the groups gnomAD compares: Non-Finnish European, 0.000085%; no homozygotes.

Submission:

All of Us Research Program, National Institutes of Health
Classification: Uncertain significance for Catecholaminergic polymorphic ventricular tachycardia. Last evaluated: 2024-03-05. Review status: criteria provided, single submitter. Criteria: ACMG Guidelines, 2015. Collection method: clinical testing. Allele origin: germline. Inheritance: Autosomal dominant inheritance. Observed: 1 variant allele, 1 heterozygote.
Comment: This study involves interpretation of variants in research participants for the purpose of population health screening. Participant phenotype was not available at the time of variant classification. Additional details can be found in publication PMID: 35346344, PMCID: PMC8962531

NM_001035.3(RYR2):c.8491G>A (p.Val2831Ile)

Gene: RYR2 (ryanodine receptor 2; plus strand). Cytogenetic location: 1q43.
Variant type: single nucleotide variant.
Coding change: c.8491G>A on transcript NM_001035.3 (MANE Select); coding-DNA position 8491, G replaced by A.
Protein change: p.Val2831Ile; replaces valine 2831 with isoleucine.
Molecular consequence: missense variant.
Genome position (GRCh38, 1-based): chr1:237,666,566, G>A. VCF-style: chr1-237666566-G-A. GRCh37 (hg19) VCF-style: chr1-237829866-G-A.
Other names: short protein forms V2831I.
Identifiers: ClinVar variation 3385795 (VCV003385795.1).
Genomic context (GRCh38, chr1:237,666,566, plus strand): 5'-ATCTAGGTTTCTGTGGACGCTGCCCATGGTTACAGTCCCCGGGCCATTGACATGAGCAAT[G>A]TTACACTATCTAGAGACCTGCATGTAAGTACTATTAACTTTTAAAAATAGTCTCCAAATT-3'
Protein context (NP_001026.2, residues 2821-2841): YSPRAIDMSN[Val2831Ile]TLSRDLHAMA